The following is an entry in ClinVar:

ClinVar aggregate classification (germline): Uncertain significance (1 of 4 stars; one submission).

Conditions:
Cutis laxa, autosomal dominant 3 (ADCL3). Identifiers: Orphanet 90348, MedGen C4225268, MONDO:0014706, OMIM 616603.
Autosomal dominant spastic paraplegia type 9. Identifiers: MedGen C1832669, MONDO:0015091.
de Barsy syndrome. Also called: Cutis laxa-corneal clouding-oligophrenia syndrome. Identifiers: Orphanet 2962, MedGen C0268354, MONDO:0017569.

Submission:

Labcorp Genetics (formerly Invitae), Labcorp
Classification: Uncertain significance for Autosomal dominant spastic paraplegia type 9; de Barsy syndrome; Cutis laxa, autosomal dominant 3. Last evaluated: 2025-02-08. Review status: criteria provided, single submitter. Criteria: Invitae Variant Classification Sherloc (09022015). Collection method: clinical testing. Allele origin: germline.
Comment: This sequence change replaces proline, which is neutral and non-polar, with serine, which is neutral and polar, at codon 227 of the ALDH18A1 protein (p.Pro227Ser). This variant is not present in population databases (gnomAD no frequency). This variant has not been reported in the literature in individuals affected with ALDH18A1-related conditions. Invitae Evidence Modeling of protein sequence and biophysical properties (such as structural, functional, and spatial information, amino acid conservation, physicochemical variation, residue mobility, and thermodynamic stability) indicates that this missense variant is not expected to disrupt ALDH18A1 protein function with a negative predictive value of 80%. In summary, the available evidence is currently insufficient to determine the role of this variant in disease. Therefore, it has been classified as a Variant of Uncertain Significance.

NM_002860.4(ALDH18A1):c.679C>T (p.Pro227Ser)

Gene: ALDH18A1 (aldehyde dehydrogenase 18 family member A1; minus strand). Cytogenetic location: 10q24.1.
Variant type: single nucleotide variant.
Coding change: c.679C>T on transcript NM_002860.4 (MANE Select); coding-DNA position 679, C replaced by T.
Protein change: p.Pro227Ser; replaces proline 227 with serine.
Molecular consequence: missense variant.
Genome position (GRCh38, 1-based): chr10:95,633,529, G>A on the plus strand (C>T on the coding strand, the complement: ALDH18A1 is on the minus strand). VCF-style: chr10-95633529-G-A. GRCh37 (hg19) VCF-style: chr10-97393286-G-A.
Other names: c.679C>T, p.Pro227Ser (NM_001017423.2, NM_001323413.2, NM_001323414.2 and 1 more transcripts); c.346C>T, p.Pro116Ser (NM_001323412.2, NM_001323416.2, NM_001323418.2); c.574C>T, p.Pro192Ser (NM_001323417.2); c.43C>T, p.Pro15Ser (NM_001323419.2); short protein forms P116S, P192S, P15S, P227S.
Identifiers: ClinVar variation 4793004 (VCV004793004.1).
Genomic context (GRCh38, chr10:95,633,529, plus strand): 5'-CCCTTAGAAATACTTTACCCACATTTACCCCCTGCAGGTCACTGTTGGGCTCAGCTGGGG[G>A]GACAACAGCATCATTTGTGTTGACAATGGGGACAATGTTCATTCTAAGGAGTTCATGAAG-3'
Protein context (NP_002851.2, residues 217-237): PIVNTNDAVV[Pro227Ser]PAEPNSDLQG